The following is an entry in ClinVar:

NM_007194.4(CHEK2):c.846+5G>T

Gene: CHEK2 (checkpoint kinase 2; minus strand). Cytogenetic location: 22q12.1.
Variant type: single nucleotide variant.
Coding change: c.846+5G>T on transcript NM_007194.4 (MANE Select); 5 bases into the intron after coding-DNA position 846, G replaced by T.
Molecular consequence: intron variant.
Genome position (GRCh38, 1-based): chr22:28,710,001, C>A on the plus strand (G>T on the coding strand, the complement: CHEK2 is on the minus strand). VCF-style: chr22-28710001-C-A. GRCh37 (hg19) VCF-style: chr22-29105989-C-A.
Other names: c.183+5G>T (NM_001437942.1, NM_001257387.3); c.645+5G>T (NM_001349956.3); c.846+5G>T (NM_145862.3); c.939+5G>T (NM_001438295.1, NM_001438293.1); c.975+5G>T (NM_001438294.1, NM_001005735.3).
Identifiers: ClinVar variation 185110 (VCV000185110.14), dbSNP rs764394796, ClinGen allele CA191066.

ClinVar aggregate classification (germline): Uncertain significance. Review status: criteria provided, multiple submitters, no conflicts (2 of 4 stars). 2 submissions from 2 submitters: Uncertain significance (2). Last evaluated 2026-02-19.

Conditions:
Familial cancer of breast. Also called: BREAST CANCER, FAMILIAL; hereditary breast carcinoma; Hereditary breast cancer. Identifiers: Orphanet 227535, MedGen C0346153, MONDO:0016419, OMIM 114480. Disease mechanism: loss of function.
Hereditary cancer-predisposing syndrome. Also called: Tumor predisposition; Hereditary neoplastic syndrome; Neoplastic Syndromes, Hereditary; Hereditary Cancer Syndrome. Identifiers: Orphanet 140162, MedGen C0027672, MeSH D009386, MONDO:0015356.

Submissions (2):

Ambry Genetics
Classification: Uncertain significance for Hereditary cancer-predisposing syndrome. Last evaluated: 2026-02-19. Review status: criteria provided, single submitter. Criteria: Ambry Variant Classification Scheme 2023. Collection method: clinical testing. Allele origin: germline.
Comment: The c.846+5G>T intronic variant results from a G to T substitution 5 nucleotides after coding exon 6 in the CHEK2 gene. This nucleotide position is highly conserved in available vertebrate species. In silico splice site analysis predicts that this alteration will weaken the native splice donor site. RNA studies have demonstrated that this variant results in a splice defect; the clinical impact of this abnormal splicing is unknown at this time (Ambry internal data). Based on the available evidence, the clinical significance of this variant remains unclear.

Labcorp Genetics (formerly Invitae), Labcorp
Classification: Uncertain significance for Familial cancer of breast. Last evaluated: 2024-05-06. Review status: criteria provided, single submitter. Criteria: Invitae Variant Classification Sherloc (09022015). Collection method: clinical testing. Allele origin: germline.
Comment: This sequence change falls in intron 7 of the CHEK2 gene. It does not directly change the encoded amino acid sequence of the CHEK2 protein. It affects a nucleotide within the consensus splice site. This variant is not present in population databases (gnomAD no frequency). This variant has not been reported in the literature in individuals affected with CHEK2-related conditions. ClinVar contains an entry for this variant (Variation ID: 185110). Variants that disrupt the consensus splice site are a relatively common cause of aberrant splicing (PMID: 17576681, 9536098). Algorithms developed to predict the effect of sequence changes on RNA splicing suggest that this variant may disrupt the consensus splice site. In summary, the available evidence is currently insufficient to determine the role of this variant in disease. Therefore, it has been classified as a Variant of Uncertain Significance.

Literature cited by the submitters: PubMed 17576681 (cited by Labcorp Genetics (formerly Invitae), Labcorp); PubMed 9536098 (cited by Labcorp Genetics (formerly Invitae), Labcorp).